The following is an entry in ClinVar:

ClinVar aggregate classification (germline): Conflicting classifications of pathogenicity. Review status: criteria provided, conflicting classifications (1 of 4 stars). 4 submissions from 4 submitters: Uncertain significance (2); Likely benign (2). Last evaluated 2025-11-05.

Conditions:
Arrhythmogenic right ventricular dysplasia 5. Also called: ARRHYTHMOGENIC RIGHT VENTRICULAR DYSPLASIA, FAMILIAL, 5; Arrhythmogenic Right Ventricular Dysplasia/Cardiomyopathy 5. Identifiers: MedGen C1858379, MONDO:0011459, OMIM 604400.
Cardiovascular phenotype. Identifiers: MedGen CN230736.
Cardiomyopathy (CMYO). Also called: Cardiomyopathies. Identifiers: Orphanet 167848, MedGen C0878544, MONDO:0004994, HP:0001638. Inheritance: Various modes of inheritance.

Allele frequency attached by ClinVar (database versions not stated): gnomAD exomes 0.00001; ExAC 0.00002; gnomAD 0.00007; TOPMed 0.00009.
gnomAD v4.1: 28 of 1,610,514 alleles (0.0017%); highest among the groups gnomAD compares: African/African-American, 0.017%; no homozygotes.

Submissions (4):

Color Diagnostics, LLC DBA Color Health
Classification: Likely benign for Cardiomyopathy. Last evaluated: 2025-11-05. Review status: criteria provided, single submitter. Criteria: ACMG Guidelines, 2015. Collection method: clinical testing. Allele origin: germline.

All of Us Research Program, National Institutes of Health
Classification: Uncertain significance for Arrhythmogenic right ventricular dysplasia 5. Last evaluated: 2024-06-09. Review status: criteria provided, single submitter. Criteria: ACMG Guidelines, 2015. Collection method: clinical testing. Allele origin: germline. Inheritance: Autosomal dominant inheritance. Observed: 10 variant alleles, 10 heterozygotes.
Comment: This variant changes 1 nucleotide in the 5' untranslated region of the TMEM43 gene. To our knowledge, functional studies have not been reported for this variant. This variant has not been reported in individuals affected with cardiovascular disorders in the literature. This variant has been identified in 9/270246 chromosomes in the general population by the Genome Aggregation Database (gnomAD). The available evidence is insufficient to determine the role of this variant in disease conclusively. Therefore, this variant is classified as a Variant of Uncertain Significance.

This study involves interpretation of variants in research participants for the purpose of population health screening. Participant phenotype was not available at the time of variant classification. Additional details can be found in publication PMID: 35346344, PMCID: PMC8962531

Ambry Genetics
Classification: Likely benign for Cardiovascular phenotype. Last evaluated: 2021-06-10. Review status: criteria provided, single submitter. Criteria: Ambry Variant Classification Scheme 2023. Collection method: clinical testing. Allele origin: germline.

Women's Health and Genetics/Laboratory Corporation of America, LabCorp
Classification: Uncertain significance. Last evaluated: 2019-11-04. Review status: criteria provided, single submitter. Criteria: LabCorp Variant Classification Summary - May 2015. Collection method: clinical testing. Allele origin: germline.
Comment: Variant summary: TMEM43 c.-4C>T is located in the untranslated mRNA region upstream of the initiation codon. The variant allele was found at a frequency of 1.3e-05 in 238856 control chromosomes (gnomAD). The available data on variant occurrences in the general population are insufficient to allow any conclusion about variant significance. To our knowledge, no occurrence of c.-4C>T in individuals affected with Cardiomyopathy and no experimental evidence demonstrating its impact on protein function have been reported. One clinical diagnostic laboratory has submitted clinical-significance assessments for this variant to ClinVar after 2014 without evidence for independent evaluation and classified the variant as uncertain significance. Based on the evidence outlined above, the variant was classified as uncertain significance.

NM_024334.3(TMEM43):c.-4C>T

Gene: TMEM43 (transmembrane protein 43; plus strand). Cytogenetic location: 3p25.1.
Variant type: single nucleotide variant.
Coding change: c.-4C>T on transcript NM_024334.3 (MANE Select); 4 bases upstream of the start codon, C replaced by T.
Molecular consequence: 5 prime UTR variant.
Genome position (GRCh38, 1-based): chr3:14,125,190, C>T. VCF-style: chr3-14125190-C-T. GRCh37 (hg19) VCF-style: chr3-14166690-C-T.
Identifiers: ClinVar variation 264209 (VCV000264209.13), dbSNP rs760598925, ClinGen allele CA053980.
Genomic context (GRCh38, chr3:14,125,190, plus strand): 5'-TCCAGTCGTCAGCCCACTTCCTAGCTGAACAGCGCGAGGCGGCGGCAGCGAGCCGGGTCC[C>T]ACCATGGCCGCGAATGTGAGTATCCCCGGGCCAGCCGGGCCACACCCAGGCTTCCCCGTC-3'